The following is an entry in ClinVar:

NM_007186.6(CEP250):c.1863+3G>T

Genes: CEP250 (centrosomal protein 250; plus strand), CEP250-AS1 (CEP250 antisense RNA 1; minus strand). Cytogenetic location: 20q11.22.
Variant type: single nucleotide variant.
Coding change: c.1863+3G>T on transcript NM_007186.6 (MANE Select); 3 bases into the intron after coding-DNA position 1863, G replaced by T.
Molecular consequence: intron variant.
Genome position (GRCh38, 1-based): chr20:35,476,598, G>T. VCF-style: chr20-35476598-G-T. GRCh37 (hg19) VCF-style: chr20-34064423-G-T.
Other names: c.-37+3G>T (NM_001318219.1).
Identifiers: ClinVar variation 2166300 (VCV002166300.4), dbSNP rs2146835633, ClinGen allele CA510319210.

ClinVar aggregate classification (germline): Uncertain significance (1 of 4 stars; one submission).

Submission:

Labcorp Genetics (formerly Invitae), Labcorp
Classification: Uncertain significance. Last evaluated: 2024-12-16. Review status: criteria provided, single submitter. Criteria: Invitae Variant Classification Sherloc (09022015). Collection method: clinical testing. Allele origin: germline.
Comment: This sequence change falls in intron 16 of the CEP250 gene. It does not directly change the encoded amino acid sequence of the CEP250 protein. It affects a nucleotide within the consensus splice site. This variant is not present in population databases (gnomAD no frequency). This variant has not been reported in the literature in individuals affected with CEP250-related conditions. ClinVar contains an entry for this variant (Variation ID: 2166300). Variants that disrupt the consensus splice site are a relatively common cause of aberrant splicing (PMID: 17576681, 9536098). Algorithms developed to predict the effect of sequence changes on RNA splicing suggest that this variant is not likely to affect RNA splicing. In summary, the available evidence is currently insufficient to determine the role of this variant in disease. Therefore, it has been classified as a Variant of Uncertain Significance.

Literature cited by the submitters: PubMed 17576681; PubMed 9536098.